The following is an entry in ClinVar:

ClinVar aggregate classification (germline): Likely benign. Review status: criteria provided, multiple submitters, no conflicts (2 of 4 stars). 3 submissions from 3 submitters: Likely benign (3). Last evaluated 2025-08-11.

Conditions:
Hypertrophic cardiomyopathy. Also called: HYPERTROPHIC MYOCARDIOPATHY. Identifiers: Orphanet 217569, MedGen C0007194, MeSH D002312, MONDO:0005045, HP:0001639.

Submissions (3):

Labcorp Genetics (formerly Invitae), Labcorp
Classification: Likely benign for Hypertrophic cardiomyopathy. Last evaluated: 2025-08-11. Review status: criteria provided, single submitter. Criteria: Invitae Variant Classification Sherloc (09022015). Collection method: clinical testing. Allele origin: germline.

Molecular Diagnostic Laboratory for Inherited Cardiovascular Disease, Montreal Heart Institute
Classification: Likely benign. Last evaluated: 2025-04-09. Review status: criteria provided, single submitter. Criteria: ACMG Guidelines, 2015. Collection method: clinical testing. Allele origin: germline. Affected: no.
Comment: BP6;BP7

All of Us Research Program, National Institutes of Health
Classification: Likely benign for Hypertrophic cardiomyopathy. Last evaluated: 2023-06-27. Review status: criteria provided, single submitter. Criteria: ACMG Guidelines, 2015. Collection method: clinical testing. Allele origin: germline. Inheritance: Autosomal dominant inheritance. Observed: 1 variant allele, 1 heterozygote.
Comment: This study involves interpretation of variants in research participants for the purpose of population health screening. Participant phenotype was not available at the time of variant classification. Additional details can be found in publication PMID: 35346344, PMCID: PMC8962531

NM_000258.3(MYL3):c.405G>A (p.Glu135=)

Gene: MYL3 (myosin light chain 3; minus strand). Cytogenetic location: 3p21.31.
Variant type: single nucleotide variant.
Coding change: c.405G>A on transcript NM_000258.3 (MANE Select); coding-DNA position 405, G replaced by A.
Protein change: p.Glu135=; no amino-acid change (glutamic acid 135 retained).
Molecular consequence: synonymous variant.
Genome position (GRCh38, 1-based): chr3:46,859,551, C>T on the plus strand (G>A on the coding strand, the complement: MYL3 is on the minus strand). VCF-style: chr3-46859551-C-T. GRCh37 (hg19) VCF-style: chr3-46901041-C-T.
Identifiers: ClinVar variation 795495 (VCV000795495.9), dbSNP rs1575497812, ClinGen allele CA433474401.